The following is an entry in ClinVar:

NM_006017.3(PROM1):c.313T>C (p.Tyr105His)

Gene: PROM1 (prominin 1; minus strand). Cytogenetic location: 4p15.32.
Variant type: single nucleotide variant.
Coding change: c.313T>C on transcript NM_006017.3 (MANE Select); coding-DNA position 313, T replaced by C.
Protein change: p.Tyr105His; replaces tyrosine 105 with histidine.
Molecular consequence: missense variant.
Genome position (GRCh38, 1-based): chr4:16,033,500, A>G on the plus strand (T>C on the coding strand, the complement: PROM1 is on the minus strand). VCF-style: chr4-16033500-A-G. GRCh37 (hg19) VCF-style: chr4-16035123-A-G.
Other names: c.286T>C, p.Tyr96His (NM_001145847.2, NM_001145848.2, NM_001145851.2 and 4 more transcripts); c.313T>C, p.Tyr105His (NM_001145849.2, NM_001145850.2); short protein forms Y105H, Y96H.
Identifiers: ClinVar variation 1005773 (VCV001005773.7), dbSNP rs929586700, ClinGen allele CA92573200.

ClinVar aggregate classification (germline): Uncertain significance. Review status: criteria provided, multiple submitters, no conflicts (2 of 4 stars). 2 submissions from 2 submitters: Uncertain significance (2). Last evaluated 2023-02-22.

Allele frequency attached by ClinVar (database versions not stated): gnomAD exomes below 0.00001; TOPMed below 0.00001; gnomAD 0.00001.
gnomAD v4.1: 6 of 1,598,824 alleles (0.00038%); highest among the groups gnomAD compares: Admixed American, 0.0034%; no homozygotes.

Submissions (2):

Labcorp Genetics (formerly Invitae), Labcorp
Classification: Uncertain significance. Last evaluated: 2023-02-22. Review status: criteria provided, single submitter. Criteria: Invitae Variant Classification Sherloc (09022015). Collection method: clinical testing. Allele origin: germline.
Comment: This sequence change replaces tyrosine, which is neutral and polar, with histidine, which is basic and polar, at codon 105 of the PROM1 protein (p.Tyr105His). This variant is present in population databases (no rsID available, gnomAD 0.007%). This variant has not been reported in the literature in individuals affected with PROM1-related conditions. ClinVar contains an entry for this variant (Variation ID: 1005773). Advanced modeling of protein sequence and biophysical properties (such as structural, functional, and spatial information, amino acid conservation, physicochemical variation, residue mobility, and thermodynamic stability) performed at Invitae indicates that this missense variant is expected to disrupt PROM1 protein function. In summary, the available evidence is currently insufficient to determine the role of this variant in disease. Therefore, it has been classified as a Variant of Uncertain Significance.

Blueprint Genetics
Classification: Uncertain significance. Last evaluated: 2023-02-06. Review status: criteria provided, single submitter. Criteria: ACMG Guidelines, 2015. Collection method: clinical testing. Allele origin: germline.